The following is an entry in ClinVar:

NM_001290060.2(SEMA3B):c.1785C>T (p.Arg595=)

Gene: SEMA3B (semaphorin 3B; plus strand). Cytogenetic location: 3p21.31.
Variant type: single nucleotide variant.
Coding change: c.1785C>T on transcript NM_001290060.2 (MANE Select); coding-DNA position 1785, C replaced by T.
Protein change: p.Arg595=; no amino-acid change (arginine 595 retained).
Molecular consequence: synonymous variant. On other transcripts: non-coding transcript variant (1).
Genome position (GRCh38, 1-based): chr3:50,275,784, C>T. VCF-style: chr3-50275784-C-T. GRCh37 (hg19) VCF-style: chr3-50313215-C-T.
Other names: c.1782C>T, p.Arg594= (NM_001005914.3, NM_001435957.1, NM_001435958.1); c.1800C>T, p.Arg600= (NM_001290061.1); c.756C>T, p.Arg252= (NM_001290062.2, NM_001290063.2); c.1785C>T, p.Arg595= (NM_001435956.1, NM_004636.4).
Identifiers: ClinVar variation 4983477 (VCV004983477.1).

ClinVar aggregate classification (germline): Likely benign (1 of 4 stars; one submission).

Conditions:
SEMA3B-related disorder. Also called: SEMA3B-related condition.

gnomAD v4.1: 1 of 1,612,666 alleles (0.000062%); highest among the groups gnomAD compares: African/African-American, 0.0013%; no homozygotes.

Submission:

PreventionGenetics, part of Exact Sciences
Classification: Likely benign for SEMA3B-related condition. Last evaluated: 2026-06-25. Review status: criteria provided, single submitter. Criteria: ACMG Guidelines, 2015. Collection method: clinical testing. Allele origin: germline.
Comment: This variant is classified as likely benign based on ACMG/AMP sequence variant interpretation guidelines (Richards et al. 2015 PMID: 25741868, with internal and published modifications).